The following is an entry in ClinVar:

ClinVar aggregate classification (germline): Uncertain significance. Review status: criteria provided, multiple submitters, no conflicts (2 of 4 stars). 2 submissions from 2 submitters: Uncertain significance (2). Last evaluated 2025-12-09.

Conditions:
ABCB11-related disorder. Also called: ABCB11-related condition.
Progressive familial intrahepatic cholestasis type 2. Identifiers: Orphanet 79304, MedGen C3489789, MONDO:0011156, OMIM 601847.

Allele frequency attached by ClinVar (database versions not stated): gnomAD 0.00001; TOPMed 0.00001; gnomAD exomes 0.00003; ExAC 0.00005.
gnomAD v4.1: 20 of 1,613,796 alleles (0.0012%); highest among the groups gnomAD compares: South Asian, 0.0099%; no homozygotes.

Submissions (2):

PreventionGenetics, part of Exact Sciences
Classification: Uncertain significance for ABCB11-related condition. Last evaluated: 2025-12-09. Review status: criteria provided, single submitter. Criteria: ACMG Guidelines, 2015. Collection method: clinical testing. Allele origin: germline.
Comment: The ABCB11 c.3687T>G variant is predicted to result in the amino acid substitution p.Ile1229Met. To our knowledge, this variant has not been reported in the literature. This variant is reported in 0.013% of alleles in individuals of South Asian descent in gnomAD. At this time, the clinical significance of this variant is uncertain due to the absence of conclusive functional and genetic evidence.

Dubai Health Genomic Medicine Center, Dubai Health
Classification: Uncertain significance for Progressive familial intrahepatic cholestasis type 2. Last evaluated: 2019-12-26. Review status: criteria provided, single submitter. Criteria: ACMG Guidelines, 2015. Collection method: clinical testing. Allele origin: germline. Affected: yes.
Comment: The p.Ile1229Met missense variant in ABCB11 (NM_003742.2) has not been previously reported in affected individuals but was identified in 4/30592 (0.0131% 0 homozygotes) South Asian alleles in gnomAD (Genome Aggregation Database). Conservation analysis and computation prediction tools suggest an impact to protein function however this information is not predictive enough to confirm pathogenicity. In summary additional information is needed to determine the clinical significance of this variant. Bi-allelic pathogenic variants in ABCB11 have been associated with benign recurrent or familial progressive intrahepatic cholestasis (12). 1) van Mil S. W. C. van der Woerd W. L. van der Brugge G. Sturm E. Jansen P. L. M. Bull L. N. van den Berg I. E. T. Berger R. Houwen R. H. J. Klomp L. W. J. Benign recurrent intrahepatic cholestasis type 2 is caused by mutations in ABCB11. Gastroenterology 127: 379-384 2004. [PubMed: 15300568]. 2) Strautnieks S. S. Bull L. N. Knisely A. S. Kocoshis S. A. Dahl N. Arnell H. Sokal E. Dahan K. Childs S. Ling V. Tanner M. S. Kagalwalla A. F. Nemeth A. Pawlowska J. Baker A. Mieli-Vergani G. Freimer N. B. Gardiner R. M. Thompson R. J. A gene encoding a liver-specific ABC transporter is mutated in progressive familial intrahepatic cholestasis. Nature Genet. 20: 233-238 1998. [PubMed: 9806540].

NM_003742.4(ABCB11):c.3687T>G (p.Ile1229Met)

Gene: ABCB11 (ATP binding cassette subfamily B member 11; minus strand). Cytogenetic location: 2q31.1.
Variant type: single nucleotide variant.
Coding change: c.3687T>G on transcript NM_003742.4 (MANE Select); coding-DNA position 3687, T replaced by G.
Protein change: p.Ile1229Met; replaces isoleucine 1229 with methionine.
Molecular consequence: missense variant.
Genome position (GRCh38, 1-based): chr2:168,924,735, A>C on the plus strand (T>G on the coding strand, the complement: ABCB11 is on the minus strand). VCF-style: chr2-168924735-A-C. GRCh37 (hg19) VCF-style: chr2-169781245-A-C.
Other names: short protein forms I1229M.
Identifiers: ClinVar variation 1301654 (VCV001301654.5), dbSNP rs780956310, ClinGen allele CA1950961.
Genomic context (GRCh38, chr2:168,924,735, plus strand): 5'-TAAGGCAGAAGTGGCTTCATCTAGTAGCAAGATTTTAGGATCTCGTACAATGGCCCGAGC[A>C]ATAGCAATGCGTTGTTTCTCCCCTCTAGAGAGTTGAGACCCCTGGGACCCAACGTTAGTT-3'
Protein context (NP_003733.2, residues 1219-1239): LSRGEKQRIA[Ile1229Met]ARAIVRDPKI